The following is an entry in ClinVar:

NM_003476.5(CSRP3):c.281+2T>C

Gene: CSRP3 (cysteine and glycine rich protein 3; minus strand). Cytogenetic location: 11p15.1.
Variant type: single nucleotide variant.
Coding change: c.281+2T>C on transcript NM_003476.5 (MANE Select); the canonical splice donor site of the intron after coding-DNA position 281, T replaced by C.
Molecular consequence: splice donor variant. On other transcripts: intron variant (1).
Genome position (GRCh38, 1-based): chr11:19,188,134, A>G on the plus strand (T>C on the coding strand, the complement: CSRP3 is on the minus strand). VCF-style: chr11-19188134-A-G. GRCh37 (hg19) VCF-style: chr11-19209681-A-G.
Other names: c.113-1786T>C (NM_001369404.1).
Identifiers: ClinVar variation 2941886 (VCV002941886.3), dbSNP rs2494223112, ClinGen allele CA379888104.

ClinVar aggregate classification (germline): Likely pathogenic (1 of 4 stars; one submission).

Conditions:
Hypertrophic cardiomyopathy 12. Identifiers: MedGen C2677491, MONDO:0012804, OMIM 612124.
Dilated cardiomyopathy 1M (CMD1M). Identifiers: Orphanet 154, MedGen C1843808, MONDO:0011840, OMIM 607482.

Allele frequency attached by ClinVar (database versions not stated): gnomAD exomes below 0.00001.
gnomAD v4.1: 1 of 1,614,114 alleles (0.000062%); highest among the groups gnomAD compares: South Asian, 0.0011%; no homozygotes.

Submission:

Labcorp Genetics (formerly Invitae), Labcorp
Classification: Likely pathogenic for Hypertrophic cardiomyopathy 12; Dilated cardiomyopathy 1M. Last evaluated: 2024-01-20. Review status: criteria provided, single submitter. Criteria: Invitae Variant Classification Sherloc (09022015). Collection method: clinical testing. Allele origin: germline.
Comment: This sequence change affects a donor splice site in intron 4 of the CSRP3 gene. It is expected to disrupt RNA splicing. Variants that disrupt the donor or acceptor splice site typically lead to a loss of protein function (PMID: 16199547), and loss-of-function variants in CSRP3 are known to be pathogenic (PMID: 12642359, 14567970, 16352453, 20087448, 34558151). This variant is not present in population databases (gnomAD no frequency). This variant has not been reported in the literature in individuals affected with CSRP3-related conditions. Algorithms developed to predict the effect of sequence changes on RNA splicing suggest that this variant may disrupt the consensus splice site. In summary, the currently available evidence indicates that the variant is pathogenic, but additional data are needed to prove that conclusively. Therefore, this variant has been classified as Likely Pathogenic.

Literature cited by the submitters: PubMed 16199547; PubMed 12642359; PubMed 14567970; PubMed 16352453; PubMed 20087448; PubMed 34558151.